The following is an entry in ClinVar:

ClinVar aggregate classification (germline): Pathogenic (1 of 4 stars; one submission).

Conditions:
Werner syndrome (WRN). Identifiers: Orphanet 902, MedGen C0043119, MONDO:0010196, OMIM 277700.

Submission:

Labcorp Genetics (formerly Invitae), Labcorp
Classification: Pathogenic for Werner syndrome. Last evaluated: 2019-11-14. Review status: criteria provided, single submitter. Criteria: Invitae Variant Classification Sherloc (09022015). Collection method: clinical testing. Allele origin: germline.
Comment: This sequence change creates a premature translational stop signal (p.Leu893*) in the WRN gene. It is expected to result in an absent or disrupted protein product. This variant is not present in population databases (ExAC no frequency). This variant has not been reported in the literature in individuals with WRN-related conditions. Loss-of-function variants in WRN are known to be pathogenic (PMID: 16673358). For these reasons, this variant has been classified as Pathogenic.

NM_000553.6(WRN):c.2678T>G (p.Leu893Ter)

Gene: WRN (WRN RecQ like helicase; plus strand). Cytogenetic location: 8p12.
Variant type: single nucleotide variant.
Coding change: c.2678T>G on transcript NM_000553.6 (MANE Select); coding-DNA position 2678, T replaced by G.
Protein change: p.Leu893Ter; replaces leucine 893 with a stop codon.
Molecular consequence: nonsense.
Genome position (GRCh38, 1-based): chr8:31,124,569, T>G. VCF-style: chr8-31124569-T-G. GRCh37 (hg19) VCF-style: chr8-30982085-T-G.
Other names: short protein forms L893*.
Identifiers: ClinVar variation 961468 (VCV000961468.1), dbSNP rs1801846606, ClinGen allele CA370916814.